The following is an entry in ClinVar:

NM_000179.3(MSH6):c.3472T>G (p.Cys1158Gly)

Gene: MSH6 (mutS homolog 6; plus strand). Cytogenetic location: 2p16.3.
Variant type: single nucleotide variant.
Coding change: c.3472T>G on transcript NM_000179.3 (MANE Select); coding-DNA position 3472, T replaced by G.
Protein change: p.Cys1158Gly; replaces cysteine 1158 with glycine.
Molecular consequence: missense variant.
Genome position (GRCh38, 1-based): chr2:47,804,943, T>G. VCF-style: chr2-47804943-T-G. GRCh37 (hg19) VCF-style: chr2-48032082-T-G.
Other names: c.3082T>G, p.Cys1028Gly (NM_001281492.2); c.2566T>G, p.Cys856Gly (NM_001281493.2, NM_001281494.2); short protein forms C1028G, C1158G, C856G.
Identifiers: ClinVar variation 1056089 (VCV001056089.11), dbSNP rs63750157, ClinGen allele CA346760103.
Genomic context (GRCh38, chr2:47,804,943, plus strand): 5'-AAAGACCTTTTCCTCCCTCATTCACAGGCTGGCTTATTAGCTGTAATGGCCCAGATGGGT[T>G]GTTACGTCCCTGCTGAAGTGTGCAGGCTCACACCAATTGATAGAGTGTTTACTAGACTTG-3'
Protein context (NP_000170.1, residues 1148-1168): GLLAVMAQMG[Cys1158Gly]YVPAEVCRLT

ClinVar aggregate classification (germline): Uncertain significance. Review status: criteria provided, multiple submitters, no conflicts (2 of 4 stars). 2 submissions from 2 submitters: Uncertain significance (2). Last evaluated 2021-04-19.

Conditions:
Hereditary nonpolyposis colorectal neoplasms. Identifiers: MedGen C0009405, MeSH D003123.
Hereditary cancer-predisposing syndrome. Also called: Hereditary Cancer Syndrome; Tumor predisposition; Hereditary neoplastic syndrome; Neoplastic Syndromes, Hereditary. Identifiers: Orphanet 140162, MedGen C0027672, MeSH D009386, MONDO:0015356.

Submissions (2):

Ambry Genetics
Classification: Uncertain significance for Hereditary cancer-predisposing syndrome. Last evaluated: 2021-04-19. Review status: criteria provided, single submitter. Criteria: Ambry Variant Classification Scheme 2023. Collection method: clinical testing. Allele origin: germline.
Comment: The p.C1158G variant (also known as c.3472T>G), located in coding exon 6 of the MSH6 gene, results from a T to G substitution at nucleotide position 3472. The cysteine at codon 1158 is replaced by glycine, an amino acid with highly dissimilar properties. This amino acid position is highly conserved in available vertebrate species. In addition, this alteration is predicted to be deleterious by in silico analysis. Since supporting evidence is limited at this time, the clinical significance of this alteration remains unclear.

Labcorp Genetics (formerly Invitae), Labcorp
Classification: Uncertain significance for Hereditary nonpolyposis colorectal neoplasms. Last evaluated: 2020-05-25. Review status: criteria provided, single submitter. Criteria: Invitae Variant Classification Sherloc (09022015). Collection method: clinical testing. Allele origin: germline.
Comment: In summary, the available evidence is currently insufficient to determine the role of this variant in disease. Therefore, it has been classified as a Variant of Uncertain Significance. Algorithms developed to predict the effect of missense changes on protein structure and function (SIFT, PolyPhen-2, Align-GVGD) all suggest that this variant is likely to be disruptive, but these predictions have not been confirmed by published functional studies and their clinical significance is uncertain. This variant has been reported in individuals in the Universal Mutation Database (PMID: 10612827). This variant is not present in population databases (ExAC no frequency). This sequence change replaces cysteine with glycine at codon 1158 of the MSH6 protein (p.Cys1158Gly). The cysteine residue is highly conserved and there is a large physicochemical difference between cysteine and glycine.

Literature cited by the submitters: PubMed 10612827 (cited by Labcorp Genetics (formerly Invitae), Labcorp).